The following is an entry in ClinVar:

NM_005902.4(SMAD3):c.805T>C (p.Phe269Leu)

Gene: SMAD3 (SMAD family member 3; plus strand). Cytogenetic location: 15q22.33.
Variant type: single nucleotide variant.
Coding change: c.805T>C on transcript NM_005902.4 (MANE Select); coding-DNA position 805, T replaced by C.
Protein change: p.Phe269Leu; replaces phenylalanine 269 with leucine.
Molecular consequence: missense variant.
Genome position (GRCh38, 1-based): chr15:67,181,387, T>C. VCF-style: chr15-67181387-T-C. GRCh37 (hg19) VCF-style: chr15-67473725-T-C.
Other names: c.490T>C, p.Phe164Leu (NM_001145102.2); c.673T>C, p.Phe225Leu (NM_001145103.2); c.220T>C, p.Phe74Leu (NM_001145104.2); short protein forms F164L, F225L, F74L, F269L.
Identifiers: ClinVar variation 649475 (VCV000649475.7), dbSNP rs1595956712, ClinGen allele CA392956299.

ClinVar aggregate classification (germline): Uncertain significance (1 of 4 stars; one submission).

Conditions:
Familial thoracic aortic aneurysm and aortic dissection (TAAD). Also called: Thoracic aortic aneurysms and dissections. Identifiers: Orphanet 91387, MedGen C4707243, MONDO:0019625.

Submission:

Labcorp Genetics (formerly Invitae), Labcorp
Classification: Uncertain significance for Familial thoracic aortic aneurysm and aortic dissection. Last evaluated: 2023-05-22. Review status: criteria provided, single submitter. Criteria: Invitae Variant Classification Sherloc (09022015). Collection method: clinical testing. Allele origin: germline.
Comment: In summary, the available evidence is currently insufficient to determine the role of this variant in disease. Therefore, it has been classified as a Variant of Uncertain Significance. Advanced modeling performed at Invitae incorporating data from internal and/or published experimental studies (Invitae) indicates that this missense variant is expected to disrupt SMAD3 function. ClinVar contains an entry for this variant (Variation ID: 649475). This variant has not been reported in the literature in individuals affected with SMAD3-related conditions. This variant is not present in population databases (gnomAD no frequency). This sequence change replaces phenylalanine, which is neutral and non-polar, with leucine, which is neutral and non-polar, at codon 269 of the SMAD3 protein (p.Phe269Leu).